The following is an entry in ClinVar:

NM_002471.4(MYH6):c.5192A>T (p.Lys1731Met)

Gene: MYH6 (myosin heavy chain 6; minus strand). Cytogenetic location: 14q11.2.
Variant type: single nucleotide variant.
Coding change: c.5192A>T on transcript NM_002471.4 (MANE Select); coding-DNA position 5192, A replaced by T.
Protein change: p.Lys1731Met; replaces lysine 1731 with methionine.
Molecular consequence: missense variant.
Genome position (GRCh38, 1-based): chr14:23,385,013, T>A on the plus strand (A>T on the coding strand, the complement: MYH6 is on the minus strand). VCF-style: chr14-23385013-T-A. GRCh37 (hg19) VCF-style: chr14-23854222-T-A.
Other names: short protein forms K1731M.
Identifiers: ClinVar variation 665827 (VCV000665827.10), dbSNP rs757373258, ClinGen allele CA7114512.

ClinVar aggregate classification (germline): Uncertain significance. Review status: criteria provided, multiple submitters, no conflicts (2 of 4 stars). 2 submissions from 2 submitters: Uncertain significance (2). Last evaluated 2021-10-29.

Conditions:
Cardiovascular phenotype. Identifiers: MedGen CN230736.
Hypertrophic cardiomyopathy 14. Identifiers: MedGen C2750467, MONDO:0013197, OMIM 613251.

gnomAD v4.1: 1 of 1,614,150 alleles (0.000062%); highest among the groups gnomAD compares: African/African-American, 0.0013%; no homozygotes.

Submissions (2):

Ambry Genetics
Classification: Uncertain significance for Cardiovascular phenotype. Last evaluated: 2021-10-29. Review status: criteria provided, single submitter. Criteria: Ambry Variant Classification Scheme 2023. Collection method: clinical testing. Allele origin: germline.
Comment: The p.K1731M variant (also known as c.5192A>T), located in coding exon 33 of the MYH6 gene, results from an A to T substitution at nucleotide position 5192. The lysine at codon 1731 is replaced by methionine, an amino acid with similar properties. This amino acid position is conserved. In addition, the in silico prediction for this alteration is inconclusive. Since supporting evidence is limited at this time, the clinical significance of this alteration remains unclear.

Labcorp Genetics (formerly Invitae), Labcorp
Classification: Uncertain significance for Hypertrophic cardiomyopathy 14. Last evaluated: 2018-08-01. Review status: criteria provided, single submitter. Criteria: Invitae Variant Classification Sherloc (09022015). Collection method: clinical testing. Allele origin: germline.
Comment: Algorithms developed to predict the effect of missense changes on protein structure and function are either unavailable or do not agree on the potential impact of this missense change (SIFT: "Deleterious"; PolyPhen-2: "Probably Damaging"; Align-GVGD: "Class C0"). This sequence change replaces lysine with methionine at codon 1731 of the MYH6 protein (p.Lys1731Met). The lysine residue is moderately conserved and there is a moderate physicochemical difference between lysine and methionine. This variant is present in population databases (rs757373258, ExAC 0.01%). This variant has not been reported in the literature in individuals with MYH6-related disease. In summary, the available evidence is currently insufficient to determine the role of this variant in disease. Therefore, it has been classified as a Variant of Uncertain Significance.